The following is an entry in ClinVar:

NM_001348716.2(KDM6B):c.625G>T (p.Val209Leu)

Gene: KDM6B (lysine demethylase 6B; plus strand). Cytogenetic location: 17p13.1.
Variant type: single nucleotide variant.
Coding change: c.625G>T on transcript NM_001348716.2 (MANE Select); coding-DNA position 625, G replaced by T.
Protein change: p.Val209Leu; replaces valine 209 with leucine.
Molecular consequence: missense variant.
Genome position (GRCh38, 1-based): chr17:7,846,654, G>T. VCF-style: chr17-7846654-G-T. GRCh37 (hg19) VCF-style: chr17-7749972-G-T.
Other names: NC_000017.10:g.7749972G>T; c.625G>T, p.Val209Leu (NM_001080424.2); short protein forms V209L.
Identifiers: ClinVar variation 225024 (VCV000225024.42), dbSNP rs148641957, ClinGen allele CA358183.

ClinVar aggregate classification (germline): Conflicting classifications of pathogenicity. Review status: criteria provided, conflicting classifications (1 of 4 stars). 6 submissions from 6 submitters: Uncertain significance (1); Benign (2). 3 of the submissions do not count toward it. Last evaluated 2026-09-01.

Conditions:
KDM6B-related disorder. Also called: KDM6B-related condition.
Inborn genetic diseases. Identifiers: MedGen C0950123, MeSH D030342.

Allele frequency attached by ClinVar (database versions not stated): 1000 Genomes Project 30x 0.00172; 1000 Genomes Project 0.00200; ESP Exome Variant Server 0.00308; TOPMed 0.00345; gnomAD exomes 0.00405 and 0.00407; ExAC 0.00406; gnomAD 0.00433 and 0.00454.
gnomAD v4.1: 6,581 of 1,614,126 alleles (0.41%); highest among the groups gnomAD compares: Non-Finnish European, 0.44%; 24 homozygotes.

Submissions (9):

CeGaT Center for Human Genetics Tuebingen
Classification: Benign. Last evaluated: 2026-09-01. Review status: criteria provided, single submitter. Criteria: CeGaT Center For Human Genetics Tuebingen Variant Classification Criteria Version 2. Collection method: clinical testing. Allele origin: germline. Affected: yes. Observed: 57 variant alleles.
Comment: KDM6B: BP4, BS1, BS2

Labcorp Genetics (formerly Invitae), Labcorp
Classification: Benign. Last evaluated: 2019-12-31. Review status: criteria provided, single submitter. Criteria: Invitae Variant Classification Sherloc (09022015). Collection method: clinical testing. Allele origin: germline.

Ambry Genetics
Classification: Uncertain significance for Inborn genetic diseases. Last evaluated: 2013-11-21. Review status: criteria provided, single submitter. Criteria: Ambry Autosomal Dominant and X-Linked criteria (10/2015). Collection method: clinical testing. Allele origin: germline. Observed: 1 variant allele.
Comment: There is insufficient or conflicting evidence for classification of this alteration.

PreventionGenetics, part of Exact Sciences
Classification: Benign for KDM6B-related condition. Last evaluated: 2021-08-20. Review status: no assertion criteria provided. Collection method: clinical testing. Allele origin: germline. Not counted in ClinVar's aggregate classification.
Comment: This variant is classified as benign based on ACMG/AMP sequence variant interpretation guidelines (Richards et al. 2015 PMID: 25741868, with internal and published modifications).

Clinical Genetics DNA and cytogenetics Diagnostics Lab, Erasmus MC, Erasmus Medical Center
Classification: Likely benign. Review status: no assertion criteria provided. Collection method: clinical testing. Allele origin: germline. Affected: yes. Study: VKGL Data-share Consensus. Not counted in ClinVar's aggregate classification.

Dr. Peter K. Rogan Lab, Western University
No classification provided (evidence only). Condition: Acute myeloid leukemia. Review status: no classification provided. Collection method: in vitro. Allele origin: not applicable. Functional consequence: retained intron. Not counted in ClinVar's aggregate classification.

Dr. Peter K. Rogan Lab, Western University
No classification provided (evidence only). Condition: Colon adenocarcinoma. Review status: no classification provided. Collection method: in vitro. Allele origin: not applicable. Functional consequence: retained intron. Not counted in ClinVar's aggregate classification.

Dr. Peter K. Rogan Lab, Western University
No classification provided (evidence only). Condition: Malignant tumor of esophagus. Review status: no classification provided. Collection method: in vitro. Allele origin: not applicable. Functional consequence: retained intron. Not counted in ClinVar's aggregate classification.

Laboratory of Diagnostic Genome Analysis, Leiden University Medical Center (LUMC)
Classification: Likely benign. Review status: no assertion criteria provided. Collection method: clinical testing. Allele origin: germline. Affected: yes. Study: VKGL Data-share Consensus. Not counted in ClinVar's aggregate classification.